The following is an entry in ClinVar:

NM_032043.3(BRIP1):c.132_139delinsTTTCCACTT (p.Leu44fs)

Gene: BRIP1 (BRCA1 interacting DNA helicase 1; minus strand). Cytogenetic location: 17q23.2.
Variant type: Indel.
Coding change: c.132_139delinsTTTCCACTT on transcript NM_032043.3 (MANE Select); coding-DNA positions 132 to 139, GGAGAGTC replaced by TTTCCACTT.
Protein change: p.Leu44fs; shifts the reading frame from leucine 44.
Molecular consequence: frameshift variant.
Genome position (GRCh38, 1-based): chr17:61,859,862-61,859,869, GACTCTCC replaced by AAGTGGAAA on the plus strand (GGAGAGTC replaced by TTTCCACTT on the coding strand, the reverse complement: BRIP1 is on the minus strand). VCF-style: chr17-61859862-GACTCTCC-AAGTGGAAA. GRCh37 (hg19) VCF-style: chr17-59937223-GACTCTCC-AAGTGGAAA.
Other names: short protein forms L44fs.
Identifiers: ClinVar variation 2583742 (VCV002583742.2), dbSNP rs2545472660, ClinGen allele CA2582342260.

ClinVar aggregate classification (germline): Pathogenic (1 of 4 stars; one submission).

Conditions:
Familial cancer of breast. Also called: Hereditary breast cancer; BREAST CANCER, FAMILIAL; hereditary breast carcinoma. Identifiers: Orphanet 227535, MedGen C0346153, MONDO:0016419, OMIM 114480. Disease mechanism: loss of function.

Submission:

Myriad Genetics, Inc.
Classification: Pathogenic for Familial cancer of breast. Last evaluated: 2023-05-30. Review status: criteria provided, single submitter. Criteria: Myriad Autosomal Dominant, Autosomal Recessive and X-Linked Classification Criteria (2023). Collection method: clinical testing. Allele origin: unknown.
Comment: This variant is considered pathogenic. This variant creates a frameshift predicted to result in premature protein truncation.